The following is an entry in ClinVar:

ClinVar aggregate classification (germline): Conflicting classifications of pathogenicity. Review status: criteria provided, conflicting classifications (1 of 4 stars). 7 submissions from 6 submitters: Likely pathogenic (1); Uncertain significance (5). 1 of the submissions does not count toward it. Last evaluated 2023-11-04.

Conditions:
Usher syndrome type 2A. Also called: RETINAL DISEASE IN USHER SYNDROME TYPE IIA, MODIFIER OF; USHER SYNDROME, TYPE IIA. Identifiers: Orphanet 231178, Orphanet 886, MedGen C1848634, MONDO:0010169, OMIM 276901.
Retinitis pigmentosa 39 (RP39). Identifiers: Orphanet 791, MedGen C3151138, MONDO:0013436, OMIM 613809.
Retinal dystrophy. Also called: Inherited retinal dystrophy. Identifiers: Orphanet 71862, MedGen C0854723, MeSH D058499, MONDO:0019118, HP:0000556.

Allele frequency attached by ClinVar (database versions not stated): gnomAD 0.00001; TOPMed 0.00001.
gnomAD v4.1: 26 of 1,613,886 alleles (0.0016%); highest among the groups gnomAD compares: East Asian, 0.02%; no homozygotes.

Submissions (7):

Genome-Nilou Lab
Classification: Uncertain significance for Retinitis pigmentosa 39. Last evaluated: 2023-11-04. Review status: criteria provided, single submitter. Criteria: ACMG Guidelines, 2015. Collection method: clinical testing. Allele origin: germline. Affected: no.

Genome-Nilou Lab
Classification: Uncertain significance for Usher syndrome type 2A. Last evaluated: 2023-11-04. Review status: criteria provided, single submitter. Criteria: ACMG Guidelines, 2015. Collection method: clinical testing. Allele origin: germline. Affected: no.

Dept Of Ophthalmology, Nagoya University
Classification: Likely pathogenic for Retinal dystrophy. Last evaluated: 2023-10-01. Review status: criteria provided, single submitter. Criteria: Submitter's publication. Collection method: research. Allele origin: germline. Affected: yes.

Women's Health and Genetics/Laboratory Corporation of America, LabCorp
Classification: Uncertain significance. Last evaluated: 2023-08-14. Review status: criteria provided, single submitter. Criteria: LabCorp Variant Classification Summary - May 2015. Collection method: clinical testing. Allele origin: germline.
Comment: Variant summary: USH2A c.2776C>T (p.Arg926Cys) results in a non-conservative amino acid change located in the Laminin-type EGF domain (IPR002049) of the encoded protein sequence. Four of five in-silico tools predict a damaging effect of the variant on protein function. The variant allele was found at a frequency of 1.6e-05 in 251096 control chromosomes (gnomAD). c.2776C>T has been reported in the literature in heterozygous individuals affected with Usher Syndrome (Zhao_2014, Koyanagi_2019, Holtan_2020, Ma_2021, Xiao_2017), and some had another USH2A variant without a confirmed phase. These data indicate that the variant may be associated with disease. To our knowledge, no experimental evidence demonstrating an impact on protein function has been reported. The following publications have been ascertained in the context of this evaluation (PMID: 25078356, 31213501, 31429209, 33691693, 28430325). Two submitters have cited clinical-significance assessments for this variant to ClinVar after 2014. Both submitters classified the variant as uncertain significance. Based on the evidence outlined above, the variant was classified as VUS-possibly pathogenic.

Blueprint Genetics
Classification: Uncertain significance. Last evaluated: 2022-07-28. Review status: criteria provided, single submitter. Criteria: ACMG Guidelines, 2015. Collection method: clinical testing. Allele origin: germline.

Fulgent Genetics
Classification: Uncertain significance for Usher syndrome type 2A; Retinitis pigmentosa 39. Last evaluated: 2021-11-15. Review status: criteria provided, single submitter. Criteria: ACMG Guidelines, 2015. Collection method: clinical testing. Allele origin: unknown.

Counsyl
Classification: Uncertain significance for Usher syndrome type 2A; Retinitis pigmentosa 39. Last evaluated: 2017-05-02. Review status: no assertion criteria provided. Collection method: clinical testing. Allele origin: unknown. Not counted in ClinVar's aggregate classification.

Literature cited by the submitters: PubMed 31429209 (cited by Women's Health and Genetics/Laboratory Corporation of America, LabCorp); PubMed 31213501 (cited by Women's Health and Genetics/Laboratory Corporation of America, LabCorp); PubMed 33691693 (cited by Women's Health and Genetics/Laboratory Corporation of America, LabCorp); PubMed 28430325 (cited by Women's Health and Genetics/Laboratory Corporation of America, LabCorp); PubMed 25078356 (cited by Women's Health and Genetics/Laboratory Corporation of America, LabCorp and Counsyl).

NM_206933.4(USH2A):c.2776C>T (p.Arg926Cys)

Genes: USH2A (usherin; minus strand), LOC122152296 (Sharpr-MPRA regulatory region 8762; plus strand). Cytogenetic location: 1q41.
Variant type: single nucleotide variant.
Coding change: c.2776C>T on transcript NM_206933.4 (MANE Select); coding-DNA position 2776, C replaced by T.
Protein change: p.Arg926Cys; replaces arginine 926 with cysteine.
Molecular consequence: missense variant.
Genome position (GRCh38, 1-based): chr1:216,246,618, G>A on the plus strand (C>T on the coding strand, the complement: USH2A is on the minus strand). VCF-style: chr1-216246618-G-A. GRCh37 (hg19) VCF-style: chr1-216419960-G-A.
Other names: c.2776C>T, p.Arg926Cys (NM_007123.6); short protein forms R926C.
Identifiers: ClinVar variation 551407 (VCV000551407.7), dbSNP rs749621457, ClinGen allele CA1396169.